The following is an entry in ClinVar:

NM_024422.6(DSC2):c.332T>G (p.Val111Gly)

Gene: DSC2 (desmocollin 2; minus strand). Cytogenetic location: 18q12.1.
Variant type: single nucleotide variant.
Coding change: c.332T>G on transcript NM_024422.6 (MANE Select); coding-DNA position 332, T replaced by G.
Protein change: p.Val111Gly; replaces valine 111 with glycine.
Molecular consequence: missense variant.
Genome position (GRCh38, 1-based): chr18:31,092,123, A>C on the plus strand (T>G on the coding strand, the complement: DSC2 is on the minus strand). VCF-style: chr18-31092123-A-C. GRCh37 (hg19) VCF-style: chr18-28672086-A-C.
Other names: c.-98T>G (NM_001406506.1, NM_001406507.1); c.332T>G, p.Val111Gly (NM_004949.5); short protein forms V111G.
Identifiers: ClinVar variation 1979674 (VCV001979674.2), dbSNP rs2510955973, ClinGen allele CA402114602.

ClinVar aggregate classification (germline): Uncertain significance (1 of 4 stars; one submission).

Conditions:
Arrhythmogenic right ventricular dysplasia 11. Also called: Arrhythmogenic Right Ventricular Dysplasia/Cardiomyopathy11; ARRHYTHMOGENIC RIGHT VENTRICULAR DYSPLASIA, FAMILIAL, 11; Arrhythmogenic right ventricular dysplasia 11 with mild palmoplantar keratoderma and woolly hair. Identifiers: MedGen C1864850, MONDO:0012506, OMIM 610476.

Allele frequency attached by ClinVar (database versions not stated): gnomAD exomes below 0.00001.

Submission:

Labcorp Genetics (formerly Invitae), Labcorp
Classification: Uncertain significance for Arrhythmogenic right ventricular dysplasia 11. Last evaluated: 2022-04-12. Review status: criteria provided, single submitter. Criteria: Invitae Variant Classification Sherloc (09022015). Collection method: clinical testing. Allele origin: germline.
Comment: This sequence change replaces valine, which is neutral and non-polar, with glycine, which is neutral and non-polar, at codon 111 of the DSC2 protein (p.Val111Gly). This variant is not present in population databases (gnomAD no frequency). This variant has not been reported in the literature in individuals affected with DSC2-related conditions. Algorithms developed to predict the effect of missense changes on protein structure and function are either unavailable or do not agree on the potential impact of this missense change (SIFT: "Deleterious"; PolyPhen-2: "Probably Damaging"; Align-GVGD: "Class C15"). In summary, the available evidence is currently insufficient to determine the role of this variant in disease. Therefore, it has been classified as a Variant of Uncertain Significance.